The following is an entry in ClinVar:

ClinVar aggregate classification (germline): Uncertain significance (1 of 4 stars; one submission).

Submission:

GeneDx
Classification: Uncertain significance. Last evaluated: 2025-01-08. Review status: criteria provided, single submitter. Criteria: GeneDx Variant Classification Process June 2021. Collection method: clinical testing. Allele origin: germline. Affected: yes.
Comment: Not observed at significant frequency in large population cohorts (gnomAD); In silico analysis supports that this missense variant has a deleterious effect on protein structure/function; Has not been previously published as pathogenic or benign to our knowledge

NM_001854.4(COL11A1):c.646T>C (p.Phe216Leu)

Gene: COL11A1 (collagen type XI alpha 1 chain; minus strand). Cytogenetic location: 1p21.1.
Variant type: single nucleotide variant.
Coding change: c.646T>C on transcript NM_001854.4 (MANE Select); coding-DNA position 646, T replaced by C.
Protein change: p.Phe216Leu; replaces phenylalanine 216 with leucine.
Molecular consequence: missense variant. On other transcripts: non-coding transcript variant (1).
Genome position (GRCh38, 1-based): chr1:103,074,623, A>G on the plus strand (T>C on the coding strand, the complement: COL11A1 is on the minus strand). VCF-style: chr1-103074623-A-G. GRCh37 (hg19) VCF-style: chr1-103540179-A-G.
Other names: c.646T>C, p.Phe216Leu (NM_001190709.2, NM_080629.3, NM_080630.4); short protein forms F216L.
Identifiers: ClinVar variation 4057050 (VCV004057050.1).
Genomic context (GRCh38, chr1:103,074,623, plus strand): 5'-TAACCCAGTTCATCTGATTTGTCAATATTCAGCTTAGAGTTGGATTTATTTTTACCTCAA[A>G]AACTTCTTCATCCAAAATCCTTGTTCCAAAAACCGTGATTCCATTGGTATCAACAATTGC-3'
Protein context (NP_001845.3, residues 206-226): FGTRILDEEV[Phe216Leu]EGDIQQFLIT